The following is an entry in ClinVar:

NM_002529.4(NTRK1):c.2047-6T>C

Gene: NTRK1 (neurotrophic receptor tyrosine kinase 1; plus strand). Cytogenetic location: 1q23.1.
Variant type: single nucleotide variant.
Coding change: c.2047-6T>C on transcript NM_002529.4 (MANE Select); 6 bases into the intron before coding-DNA position 2047, T replaced by C.
Molecular consequence: intron variant.
Genome position (GRCh38, 1-based): chr1:156,879,993, T>C. VCF-style: chr1-156879993-T-C. GRCh37 (hg19) VCF-style: chr1-156849785-T-C.
Other names: c.1939-6T>C (NM_001007792.1); c.2029-6T>C (NM_001012331.2).
Identifiers: ClinVar variation 383251 (VCV000383251.13), dbSNP rs762866535, ClinGen allele CA1169557.

ClinVar aggregate classification (germline): Likely benign. Review status: criteria provided, multiple submitters, no conflicts (2 of 4 stars). 4 submissions from 4 submitters: Likely benign (3). 1 of the submissions does not count toward it. Last evaluated 2024-11-24.

Conditions:
Hereditary insensitivity to pain with anhidrosis (CIPA). Also called: HSAN Type IV; NTRK1 Congenital Insensitivity to Pain with Anhidrosis; NEUROPATHY, CONGENITAL SENSORY, WITH ANHIDROSIS; hereditary sensory and autonomic neuropathy type 4; FAMILIAL DYSAUTONOMIA, TYPE II; INSENSITIVITY TO PAIN, CONGENITAL, WITH ANHIDROSIS. Identifiers: Orphanet 642, MedGen C0020074, MONDO:0009746, OMIM 256800.

Allele frequency attached by ClinVar (database versions not stated): ExAC 0.00001; gnomAD 0.00001; gnomAD exomes 0.00001 and 0.00002; TOPMed 0.00002.
gnomAD v4.1: 33 of 1,612,488 alleles (0.002%); highest among the groups gnomAD compares: Non-Finnish European, 0.0028%; no homozygotes.

Submissions (4):

Labcorp Genetics (formerly Invitae), Labcorp
Classification: Likely benign for Hereditary insensitivity to pain with anhidrosis. Last evaluated: 2024-11-24. Review status: criteria provided, single submitter. Criteria: Invitae Variant Classification Sherloc (09022015). Collection method: clinical testing. Allele origin: germline.

Genome-Nilou Lab
Classification: Likely benign for Hereditary insensitivity to pain with anhidrosis. Last evaluated: 2023-04-11. Review status: criteria provided, single submitter. Criteria: ACMG Guidelines, 2015. Collection method: clinical testing. Allele origin: germline. Affected: no.

GeneDx
Classification: Likely benign. Last evaluated: 2016-01-29. Review status: criteria provided, single submitter. Criteria: GeneDx Variant Classification (06012015). Collection method: clinical testing. Allele origin: germline. Affected: yes.
Comment: This variant is considered likely benign or benign based on one or more of the following criteria: it is a conservative change, it occurs at a poorly conserved position in the protein, it is predicted to be benign by multiple in silico algorithms, and/or has population frequency not consistent with disease.

Natera, Inc.
Classification: Uncertain significance for Hereditary insensitivity to pain with anhidrosis. Last evaluated: 2020-01-24. Review status: no assertion criteria provided. Collection method: clinical testing. Allele origin: germline. Not counted in ClinVar's aggregate classification.